The following is an entry in ClinVar:

ClinVar aggregate classification (germline): Uncertain significance. Review status: criteria provided, multiple submitters, no conflicts (2 of 4 stars). 2 submissions from 2 submitters: Uncertain significance (2). Last evaluated 2025-06-22.

Conditions:
Inborn genetic diseases. Identifiers: MedGen C0950123, MeSH D030342.

Allele frequency attached by ClinVar (database versions not stated): gnomAD exomes 0.00001 and 0.00002; gnomAD 0.00002; TOPMed 0.00003; ExAC 0.00006.
gnomAD v4.1: 24 of 1,551,182 alleles (0.0015%); highest among the groups gnomAD compares: Admixed American, 0.0054%; no homozygotes.

Submissions (2):

Ambry Genetics
Classification: Uncertain significance for Inborn genetic diseases. Last evaluated: 2025-06-22. Review status: criteria provided, single submitter. Criteria: Ambry Variant Classification Scheme 2023. Collection method: clinical testing. Allele origin: germline.

Labcorp Genetics (formerly Invitae), Labcorp
Classification: Uncertain significance. Last evaluated: 2022-04-16. Review status: criteria provided, single submitter. Criteria: Invitae Variant Classification Sherloc (09022015). Collection method: clinical testing. Allele origin: germline.
Comment: This sequence change replaces glycine, which is neutral and non-polar, with aspartic acid, which is acidic and polar, at codon 813 of the TONSL protein (p.Gly813Asp). The frequency data for this variant in the population databases is considered unreliable, as metrics indicate poor data quality at this position in the gnomAD database. This variant has not been reported in the literature in individuals affected with TONSL-related conditions. Algorithms developed to predict the effect of missense changes on protein structure and function output the following: SIFT: "Tolerated"; PolyPhen-2: "Benign"; Align-GVGD: "Class C0". The aspartic acid amino acid residue is found in multiple mammalian species, which suggests that this missense change does not adversely affect protein function. In summary, the available evidence is currently insufficient to determine the role of this variant in disease. Therefore, it has been classified as a Variant of Uncertain Significance.

NM_013432.5(TONSL):c.2438G>A (p.Gly813Asp)

Genes: TONSL-AS1 (TONSL antisense RNA 1; plus strand), TONSL (tonsoku like, DNA repair protein; minus strand). Cytogenetic location: 8q24.3.
Variant type: single nucleotide variant.
Coding change: c.2438G>A on transcript NM_013432.5 (MANE Select); coding-DNA position 2438, G replaced by A.
Protein change: p.Gly813Asp; replaces glycine 813 with aspartic acid.
Molecular consequence: missense variant.
Genome position (GRCh38, 1-based): chr8:144,435,995, C>T on the plus strand (G>A on the coding strand, the complement: TONSL is on the minus strand). VCF-style: chr8-144435995-C-T. GRCh37 (hg19) VCF-style: chr8-145661378-C-T.
Other names: c.2438G>A (NM_013432.4); short protein forms G813D.
Identifiers: ClinVar variation 1525905 (VCV001525905.6), dbSNP rs764157798, ClinGen allele CA4942829.